The following is an entry in ClinVar:

ClinVar aggregate classification (germline): Uncertain significance. Review status: criteria provided, multiple submitters, no conflicts (2 of 4 stars). 3 submissions from 3 submitters: Uncertain significance (3). Last evaluated 2024-02-20.

Conditions:
Pancreatic agenesis 1 (PAGEN1). Also called: PANCREATIC HYPOPLASIA, CONGENITAL. Identifiers: Orphanet 2805, MedGen C3891828, MONDO:0024547, OMIM 260370.
Maturity-onset diabetes of the young type 4 (MODY4). Also called: Maturity-onset diabetes of the young, type IV; MODY, type IV. Identifiers: Orphanet 552, MedGen C1833382, MONDO:0011667, OMIM 606392.
Type 2 diabetes mellitus. Also called: Type II diabetes mellitus. Identifiers: MedGen C0011860, MeSH D003924, MONDO:0005148, OMIM 125853, HP:0005978.

Allele frequency attached by ClinVar (database versions not stated): ExAC 0.00002; ESP Exome Variant Server 0.00008; gnomAD 0.00010; TOPMed 0.00022.
gnomAD v4.1: 33 of 1,609,718 alleles (0.0021%); highest among the groups gnomAD compares: Admixed American, 0.039%; no homozygotes.

Submissions (3):

Fulgent Genetics
Classification: Uncertain significance for Type 2 diabetes mellitus; Pancreatic agenesis 1; Maturity-onset diabetes of the young type 4. Last evaluated: 2024-02-20. Review status: criteria provided, single submitter. Criteria: ACMG Guidelines, 2015. Collection method: clinical testing. Allele origin: germline.

Athena Diagnostics
Classification: Uncertain significance. Last evaluated: 2024-02-19. Review status: criteria provided, single submitter. Criteria: Athena Diagnostics Criteria. Collection method: clinical testing. Allele origin: unknown.
Comment: Available data are insufficient to determine the clinical significance of the variant at this time. The frequency of this variant in the general population is uninformative in assessment of its pathogenicity. Computational tools predict that this variant is not damaging.

GeneDx
Classification: Uncertain significance. Last evaluated: 2022-10-03. Review status: criteria provided, single submitter. Criteria: GeneDx Variant Classification Process June 2021. Collection method: clinical testing. Allele origin: germline. Affected: yes.
Comment: Identified in an individual with early-onset diabetes in published literature (de Santana et al., 2019); In silico analysis supports that this missense variant does not alter protein structure/function; This variant is associated with the following publications: (PMID: 31595705)

Literature cited by the submitters: PubMed 31595705 (cited by Athena Diagnostics).

NM_000209.4(PDX1):c.664G>A (p.Glu222Lys)

Gene: PDX1 (pancreatic and duodenal homeobox 1; plus strand). Cytogenetic location: 13q12.2.
Variant type: single nucleotide variant.
Coding change: c.664G>A on transcript NM_000209.4 (MANE Select); coding-DNA position 664, G replaced by A.
Protein change: p.Glu222Lys; replaces glutamic acid 222 with lysine.
Molecular consequence: missense variant.
Genome position (GRCh38, 1-based): chr13:27,924,513, G>A. VCF-style: chr13-27924513-G-A. GRCh37 (hg19) VCF-style: chr13-28498650-G-A.
Other names: short protein forms E222K.
Identifiers: ClinVar variation 1708924 (VCV001708924.4), dbSNP rs368507502, ClinGen allele CA6927702.